The following is an entry in ClinVar:

ClinVar aggregate classification (germline): Uncertain significance (1 of 4 stars; one submission).

Conditions:
HHAT-related disorder. Also called: HHAT-related condition.

Submission:

PreventionGenetics, part of Exact Sciences
Classification: Uncertain significance for HHAT-related condition. Last evaluated: 2025-02-19. Review status: criteria provided, single submitter. Criteria: ACMG Guidelines, 2015. Collection method: clinical testing. Allele origin: germline.
Comment: The HHAT c.1148dupA variant is predicted to result in a frameshift and premature protein termination (p.Asp383Glufs*69). To our knowledge, this variant has not been reported in the literature or in a large population database (gnomAD), indicating this variant is rare. Loss of function is not an established mechanism of HHAT-related disorders. Although we suspect that this variant may be pathogenic, at this time, the clinical significance of this variant is uncertain due to the absence of conclusive functional and genetic evidence.

NM_018194.6(HHAT):c.1148dup (p.Asp383fs)

Gene: HHAT (hedgehog acyltransferase; plus strand). Cytogenetic location: 1q32.2.
Variant type: Duplication.
Coding change: c.1148dup on transcript NM_018194.6 (MANE Select); coding-DNA position 1148, one base duplicated (A; older notation c.1148dupA).
Protein change: p.Asp383fs; shifts the reading frame from aspartic acid 383.
Molecular consequence: frameshift variant.
Genome position (GRCh38, 1-based): chr1:210,588,002, A duplicated. VCF-style (leftmost placement, unchanged base first): chr1-210588001-G-GA. GRCh37 (hg19) VCF-style: chr1-210761345-G-GA.
Other names: c.1148dup, p.Asp383fs (NM_001122834.4, NM_001170580.3); c.737dup, p.Asp246fs (NM_001170564.3); c.1151dup, p.Asp384fs (NM_001170587.3); c.953dup, p.Asp318fs (NM_001170588.3); short protein forms D318fs, D246fs, D384fs, D383fs.
Identifiers: ClinVar variation 5000379 (VCV005000379.1).